The following is an entry in ClinVar:

ClinVar aggregate classification (germline): Benign. Review status: criteria provided, single submitter (1 of 4 stars). 2 submissions from 2 submitters: Benign (1). 1 of the submissions does not count toward it. Last evaluated 2026-02-02.

Conditions:
Hypertrophic cardiomyopathy. Also called: HYPERTROPHIC MYOCARDIOPATHY. Identifiers: Orphanet 217569, MedGen C0007194, MeSH D002312, MONDO:0005045, HP:0001639.
MYOM1-related disorder.

Allele frequency attached by ClinVar (database versions not stated): gnomAD exomes 0.00015 and 0.00033; ExAC 0.00066; ESP Exome Variant Server 0.00072; gnomAD 0.00139 and 0.00153; TOPMed 0.00151; 1000 Genomes Project 0.00180; 1000 Genomes Project 30x 0.00203.
gnomAD v4.1: 448 of 1,595,900 alleles (0.028%); highest among the groups gnomAD compares: African/African-American, 0.5%; 3 homozygotes.

Submissions (2):

Labcorp Genetics (formerly Invitae), Labcorp
Classification: Benign for Hypertrophic cardiomyopathy. Last evaluated: 2026-02-02. Review status: criteria provided, single submitter. Criteria: Invitae Variant Classification Sherloc (09022015). Collection method: clinical testing. Allele origin: germline.

PreventionGenetics, part of Exact Sciences
Classification: Likely benign for MYOM1-related condition. Last evaluated: 2019-03-12. Review status: no assertion criteria provided. Collection method: clinical testing. Allele origin: germline. Not counted in ClinVar's aggregate classification.
Comment: This variant is classified as likely benign based on ACMG/AMP sequence variant interpretation guidelines (Richards et al. 2015 PMID: 25741868, with internal and published modifications).

NM_003803.4(MYOM1):c.4764+10A>G

Gene: MYOM1 (myomesin 1; minus strand). Cytogenetic location: 18p11.31.
Variant type: single nucleotide variant.
Coding change: c.4764+10A>G on transcript NM_003803.4 (MANE Select); 10 bases into the intron after coding-DNA position 4764, A replaced by G.
Molecular consequence: intron variant.
Genome position (GRCh38, 1-based): chr18:3,071,824, T>C on the plus strand (A>G on the coding strand, the complement: MYOM1 is on the minus strand). VCF-style: chr18-3071824-T-C. GRCh37 (hg19) VCF-style: chr18-3071822-T-C.
Other names: c.4476+10A>G (NM_019856.2).
Identifiers: ClinVar variation 454456 (VCV000454456.14), dbSNP rs79745437, ClinGen allele CA8873783.
Genomic context (GRCh38, chr18:3,071,824, plus strand): 5'-AACAAAATCTGGGGTGCTGGAACCTGTTCATAGTGCAGAAGGAGCAGGCACAGGCAGGCT[T>C]CATGCTTACCTTCCCCTCCTGGATGGTGACCACGTCTGGGAGACCTCCCAACACCCGGGC-3'